The following is an entry in ClinVar:

ClinVar aggregate classification (germline): Uncertain significance. Review status: criteria provided, multiple submitters, no conflicts (2 of 4 stars). 2 submissions from 2 submitters: Uncertain significance (2). Last evaluated 2026-09-02.

Conditions:
Inborn genetic diseases. Identifiers: MedGen C0950123, MeSH D030342.

Allele frequency attached by ClinVar (database versions not stated): gnomAD 0.00005; TOPMed 0.00003; ExAC 0.00004.
gnomAD v4.1: 34 of 1,605,466 alleles (0.0021%); highest among the groups gnomAD compares: African/African-American, 0.008%; no homozygotes.

Submissions (2):

GeneDx
Classification: Uncertain significance. Last evaluated: 2026-09-02. Review status: criteria provided, single submitter. Criteria: GeneDx Variant Classification Process June 2021. Collection method: clinical testing. Allele origin: germline.
Comment: In silico analysis supports that this missense variant has a deleterious effect on protein structure/function; Has not been previously published as pathogenic or benign to our knowledge

Ambry Genetics
Classification: Uncertain significance for Inborn genetic diseases. Last evaluated: 2025-10-14. Review status: criteria provided, single submitter. Criteria: Ambry Variant Classification Scheme 2023. Collection method: clinical testing. Allele origin: germline.

NM_001146079.2(CLDN14):c.91C>T (p.Arg31Trp)

Genes: CLDN14 (claudin 14; minus strand), CLDN14-AS1 (CLDN14 antisense RNA 1; plus strand). Cytogenetic location: 21q22.13.
Variant type: single nucleotide variant.
Coding change: c.91C>T on transcript NM_001146079.2 (MANE Select); coding-DNA position 91, C replaced by T.
Protein change: p.Arg31Trp; replaces arginine 31 with tryptophan.
Molecular consequence: missense variant.
Genome position (GRCh38, 1-based): chr21:36,461,605, G>A on the plus strand (C>T on the coding strand, the complement: CLDN14 is on the minus strand). VCF-style: chr21-36461605-G-A. GRCh37 (hg19) VCF-style: chr21-37833903-G-A.
Other names: c.91C>T, p.Arg31Trp (NM_001146077.2, NM_001146078.3, NM_012130.4 and 1 more transcripts); short protein forms R31W.
Identifiers: ClinVar variation 2443472 (VCV002443472.3), dbSNP rs757426764, ClinGen allele CA10019345.